The following is an entry in ClinVar:

ClinVar aggregate classification (germline): Likely pathogenic (1 of 4 stars; one submission).

Conditions:
Acromesomelic dysplasia 4. Identifiers: MedGen C5562028, MONDO:0030553, OMIM 619636.

Submission:

Laboratory of Functional Genomics, Research Centre for Medical Genetics
Classification: Likely pathogenic for Acromesomelic dysplasia 4. Review status: criteria provided, single submitter. Criteria: ACMG Guidelines, 2015. Collection method: clinical testing. Allele origin: paternal. Inheritance: Autosomal recessive inheritance. Affected: yes.
Comment: Bioinformatic tools predicted that this variant alters the splicing pattern. RT-PCR analysis performed on the father's fibroblasts revealed that c.1630G>T leads to the shortening of exon 13 by 6 nucleotides in a subset of transcripts, resulting in a deletion of two amino acids (p.Asp544_Arg545del). Analysis of read coverage at the variant locus demonstrated that exon truncation occurred in approximately half of the transcripts carrying the c.1630G>T allele, whereas the remaining transcripts were expressed with the missense substitution p.(Asp544Tyr). According to ACMG 2015 criteria (PM2, PS3) we classified this variant as Likely Pathogenic.

NM_006259.3(PRKG2):c.1630G>T (p.Asp544Tyr)

Gene: PRKG2 (protein kinase cGMP-dependent 2; minus strand). Cytogenetic location: 4q21.21.
Variant type: single nucleotide variant.
Coding change: c.1630G>T on transcript NM_006259.3 (MANE Select); coding-DNA position 1630, G replaced by T.
Protein change: p.Asp544Tyr; replaces aspartic acid 544 with tyrosine.
Molecular consequence: missense variant.
Genome position (GRCh38, 1-based): chr4:81,137,397, C>A on the plus strand (G>T on the coding strand, the complement: PRKG2 is on the minus strand). VCF-style: chr4-81137397-C-A. GRCh37 (hg19) VCF-style: chr4-82058551-C-A.
Other names: chr4:81137397C>A; c.370G>T, p.Asp124Tyr (NM_001282480.1, NM_001282481.1); c.283G>T, p.Asp95Tyr (NM_001282482.1); c.190G>T, p.Asp64Tyr (NM_001282483.1); c.1543G>T, p.Asp515Tyr (NM_001282485.2); c.1630G>T, p.Asp544Tyr (NM_001363401.2); short protein forms D124Y, D515Y, D544Y, D64Y, D95Y.
Identifiers: ClinVar variation 4082151 (VCV004082151.1).